The following is an entry in ClinVar:

ClinVar aggregate classification (germline): Uncertain significance (1 of 4 stars; one submission).

Conditions:
Cardiovascular phenotype. Identifiers: MedGen CN230736.

gnomAD v4.1: 2 of 1,613,124 alleles (0.00012%); highest among the groups gnomAD compares: Admixed American, 0.0017%; no homozygotes.

Submission:

Ambry Genetics
Classification: Uncertain significance for Cardiovascular phenotype. Last evaluated: 2025-03-23. Review status: criteria provided, single submitter. Criteria: Ambry Variant Classification Scheme 2023. Collection method: clinical testing. Allele origin: germline.
Comment: The p.T1714K variant (also known as c.5141C>A), located in coding exon 36 of the LAMA4 gene, results from a C to A substitution at nucleotide position 5141. The threonine at codon 1714 is replaced by lysine, an amino acid with similar properties. This amino acid position is conserved. In addition, the in silico prediction for this alteration is inconclusive. Based on the available evidence, the clinical significance of this variant remains unclear.

NM_001105206.3(LAMA4):c.5162C>A (p.Thr1721Lys)

Gene: LAMA4 (laminin subunit alpha 4; minus strand). Cytogenetic location: 6q21.
Variant type: single nucleotide variant.
Coding change: c.5162C>A on transcript NM_001105206.3 (MANE Select); coding-DNA position 5162, C replaced by A.
Protein change: p.Thr1721Lys; replaces threonine 1721 with lysine.
Molecular consequence: missense variant.
Genome position (GRCh38, 1-based): chr6:112,114,707, G>T on the plus strand (C>A on the coding strand, the complement: LAMA4 is on the minus strand). VCF-style: chr6-112114707-G-T. GRCh37 (hg19) VCF-style: chr6-112435910-G-T.
Other names: c.5141C>A, p.Thr1714Lys (NM_001105207.3, NM_002290.5); short protein forms T1714K, T1721K.
Identifiers: ClinVar variation 4045934 (VCV004045934.1).